The following is an entry in ClinVar:

NM_001375834.1(WIPF1):c.645C>T (p.Pro215=)

Gene: WIPF1 (WAS/WASL interacting protein family member 1; minus strand). Cytogenetic location: 2q31.1.
Variant type: single nucleotide variant.
Coding change: c.645C>T on transcript NM_001375834.1 (MANE Select); coding-DNA position 645, C replaced by T.
Protein change: p.Pro215=; no amino-acid change (proline 215 retained).
Molecular consequence: synonymous variant.
Genome position (GRCh38, 1-based): chr2:174,572,160, G>A on the plus strand (C>T on the coding strand, the complement: WIPF1 is on the minus strand). VCF-style: chr2-174572160-G-A. GRCh37 (hg19) VCF-style: chr2-175436888-G-A.
Other names: c.645C>T, p.Pro215= (NM_001077269.1, NM_001375832.1, NM_001375833.1 and 5 more transcripts); c.267C>T, p.Pro89= (NM_001375839.1).
Identifiers: ClinVar variation 1160408 (VCV001160408.12), dbSNP rs141354164, ClinGen allele CA1974084.
Genomic context (GRCh38, chr2:174,572,160, plus strand): 5'-TATTGAGCCTCCTCCCAAAGCAGTGCCGCGGTTTCCAGGGAAAGGGGGAGGAGTGGGCCC[G>A]GGGCTGGGCTGCCTGGGGCCTCCGGGCACTGGTGGGGACCCCCGGTTGTGCGGACTTGAT-3'
Protein context (NP_001362763.1, residues 205-225): PVPGGPRQPS[Pro215=]GPTPPPFPGN

ClinVar aggregate classification (germline): Likely benign. Review status: criteria provided, multiple submitters, no conflicts (2 of 4 stars). 3 submissions from 3 submitters: Likely benign (2). 1 of the submissions does not count toward it. Last evaluated 2025-10-18.

Conditions:
Wiskott-Aldrich syndrome 2 (WAS2). Also called: WIPF1 DEFICIENCY. Identifiers: Orphanet 906, MedGen C3281001, MONDO:0013779, OMIM 614493.
WIPF1-related disorder. Also called: WIPF1-related condition.

Allele frequency attached by ClinVar (database versions not stated): gnomAD exomes 0.00004 and 0.00014; ExAC 0.00014; 1000 Genomes Project 30x 0.00016; 1000 Genomes Project 0.00020; gnomAD 0.00036 and 0.00039; TOPMed 0.00042; ESP Exome Variant Server 0.00054.
gnomAD v4.1: 125 of 1,613,748 alleles (0.0077%); highest among the groups gnomAD compares: African/African-American, 0.13%; 1 homozygote.

Submissions (3):

Labcorp Genetics (formerly Invitae), Labcorp
Classification: Likely benign for Wiskott-Aldrich syndrome 2. Last evaluated: 2025-10-18. Review status: criteria provided, single submitter. Criteria: Invitae Variant Classification Sherloc (09022015). Collection method: clinical testing. Allele origin: germline.

Blueprint Genetics
Classification: Likely benign. Last evaluated: 2019-07-25. Review status: criteria provided, single submitter. Criteria: ACMG Guidelines, 2015. Collection method: clinical testing. Allele origin: germline.

PreventionGenetics, part of Exact Sciences
Classification: Likely benign for WIPF1-related condition. Last evaluated: 2023-12-04. Review status: no assertion criteria provided. Collection method: clinical testing. Allele origin: germline. Not counted in ClinVar's aggregate classification.
Comment: This variant is classified as likely benign based on ACMG/AMP sequence variant interpretation guidelines (Richards et al. 2015 PMID: 25741868, with internal and published modifications).